The following is an entry in ClinVar:

NM_001242957.3(MAK):c.288G>T (p.Leu96Phe)

Gene: MAK (male germ cell associated kinase; minus strand). Cytogenetic location: 6p24.2.
Variant type: single nucleotide variant.
Coding change: c.288G>T on transcript NM_001242957.3 (MANE Select); coding-DNA position 288, G replaced by T.
Protein change: p.Leu96Phe; replaces leucine 96 with phenylalanine.
Molecular consequence: missense variant. On other transcripts: non-coding transcript variant (2).
Genome position (GRCh38, 1-based): chr6:10,813,714, C>A on the plus strand (G>T on the coding strand, the complement: MAK is on the minus strand). VCF-style: chr6-10813714-C-A. GRCh37 (hg19) VCF-style: chr6-10813947-C-A.
Other names: c.288G>T, p.Leu96Phe (NM_001242385.2, NM_005906.6); c.186G>T, p.Leu62Phe (NM_001377262.1); short protein forms L96F, L62F.
Identifiers: ClinVar variation 1502814 (VCV001502814.6), dbSNP rs2127572091, ClinGen allele CA362721201.

ClinVar aggregate classification (germline): Uncertain significance (1 of 4 stars; one submission).

gnomAD v4.1: 1 of 1,586,760 alleles (0.000063%); highest among the groups gnomAD compares: Admixed American, 0.0017%; no homozygotes.

Submission:

Labcorp Genetics (formerly Invitae), Labcorp
Classification: Uncertain significance. Last evaluated: 2021-09-02. Review status: criteria provided, single submitter. Criteria: Invitae Variant Classification Sherloc (09022015). Collection method: clinical testing. Allele origin: germline.
Comment: This sequence change replaces leucine with phenylalanine at codon 96 of the MAK protein (p.Leu96Phe). The leucine residue is moderately conserved and there is a small physicochemical difference between leucine and phenylalanine. This variant is not present in population databases (ExAC no frequency). This variant has not been reported in the literature in individuals affected with MAK-related conditions. Experimental studies and prediction algorithms are not available or were not evaluated, and the functional significance of this variant is currently unknown. In summary, the available evidence is currently insufficient to determine the role of this variant in disease. Therefore, it has been classified as a Variant of Uncertain Significance.